The following is an entry in ClinVar:

NC_012920.1(MT-ATP6):m.8720G>A

Gene: MT-ATP6 (mitochondrially encoded ATP synthase 6; plus strand).
Variant type: single nucleotide variant.
Genome position: chrM-8720-G-A.
Identifiers: ClinVar variation 692963 (VCV000692963.1), dbSNP rs1603221728, ClinGen allele CA414797652.

ClinVar aggregate classification (germline): Uncertain significance (1 of 4 stars; one submission).

Conditions:
Leigh syndrome (NULS). Also called: Leigh's necrotizing encephalopathy; Leigh's disease; Leigh Syndrome (mtDNA deletion); Leigh Disease; Subacute necrotizing encephalopathy; Necrotizing encephalopathy infantile subacute of Leigh. Identifiers: Orphanet 506, MedGen C2931891, MONDO:0009723, OMIM 256000.

Submission:

Wong Mito Lab, Molecular and Human Genetics, Baylor College of Medicine
Classification: Uncertain significance for Leigh syndrome. Last evaluated: 2019-10-17. Review status: criteria provided, single submitter. Criteria: Modified ACMG Guidelines (Unpublished). Collection method: clinical testing. Allele origin: germline.
Comment: The NC_012920.1:m.8720G>A (YP_003024031.1:p.Gly65Glu) variant in MTATP6 gene is interpretated to be a Uncertain Significance variant based on the modified ACMG guidelines (unpublished). This variant meets the following evidence codes: no criteria